The following is an entry in ClinVar:

ClinVar aggregate classification (germline): Uncertain significance (1 of 4 stars; one submission).

Conditions:
Epidermolysis bullosa simplex 3, localized or generalized intermediate, with BP230 deficiency (EBS3). Also called: Epidermolysis bullosa simplex, autosomal recessive 2; Epidermolysis bullosa simplex due to BP230 deficiency. Identifiers: Orphanet 412181, MedGen C3809470, MONDO:0014180, OMIM 615425.
Hereditary sensory and autonomic neuropathy type 6. Also called: Neuropathy, hereditary sensory and autonomic, type VI; HSAN VI. Identifiers: Orphanet 314381, MedGen C3539003, MONDO:0013839, OMIM 614653.

Allele frequency attached by ClinVar (database versions not stated): ExAC 0.00002; gnomAD exomes 0.00003; TOPMed 0.00004; gnomAD 0.00007 and 0.00008; ESP Exome Variant Server 0.00008.
gnomAD v4.1: 48 of 1,613,694 alleles (0.003%); highest among the groups gnomAD compares: African/African-American, 0.023%; no homozygotes.

Submission:

Labcorp Genetics (formerly Invitae), Labcorp
Classification: Uncertain significance for Epidermolysis bullosa simplex 3, localized or generalized intermediate, with BP230 deficiency; Hereditary sensory and autonomic neuropathy type 6. Last evaluated: 2022-08-21. Review status: criteria provided, single submitter. Criteria: Invitae Variant Classification Sherloc (09022015). Collection method: clinical testing. Allele origin: germline.
Comment: In summary, the available evidence is currently insufficient to determine the role of this variant in disease. Therefore, it has been classified as a Variant of Uncertain Significance. Experimental studies and prediction algorithms are not available or were not evaluated, and the functional significance of this variant is currently unknown. This variant has not been reported in the literature in individuals affected with DST-related conditions. This variant is present in population databases (rs371837412, gnomAD 0.03%). This sequence change replaces valine, which is neutral and non-polar, with methionine, which is neutral and non-polar, at codon 2997 of the DST protein (p.Val2997Met). The DST gene has multiple clinically relevant transcripts. This variant occurs in alternate transcript NM_015548.4, and corresponds to NM_001723.5:c.*80312G>A in the primary transcript.

NM_001374736.1(DST):c.16858G>A (p.Val5620Met)

Gene: DST (dystonin; minus strand). Cytogenetic location: 6p12.1.
Variant type: single nucleotide variant.
Coding change: c.16858G>A on transcript NM_001374736.1 (MANE Select); coding-DNA position 16858, G replaced by A.
Protein change: p.Val5620Met; replaces valine 5620 with methionine.
Molecular consequence: missense variant.
Genome position (GRCh38, 1-based): chr6:56,535,205, C>T on the plus strand (G>A on the coding strand, the complement: DST is on the minus strand). VCF-style: chr6-56535205-C-T. GRCh37 (hg19) VCF-style: chr6-56400003-C-T.
Other names: c.10501G>A, p.Val3501Met (NM_001144769.5); c.10087G>A, p.Val3363Met (NM_001144770.2); c.16858G>A, p.Val5620Met (NM_001374722.1); c.16225G>A, p.Val5409Met (NM_001374729.1); c.9967G>A, p.Val3323Met (NM_001374730.1, NM_183380.4); c.16885G>A, p.Val5629Met (NM_001374734.1); c.8989G>A, p.Val2997Met (NM_015548.5); short protein forms V2997M, V3323M, V3363M, V5409M, V5620M, V3501M, V5629M.
Identifiers: ClinVar variation 970135 (VCV000970135.8), dbSNP rs371837412, ClinGen allele CA3867578.